The following is an entry in ClinVar:

NM_001042492.3(NF1):c.1063-3T>G

Gene: NF1 (neurofibromin 1; plus strand). Cytogenetic location: 17q11.2.
Variant type: single nucleotide variant.
Coding change: c.1063-3T>G on transcript NM_001042492.3 (MANE Select); 3 bases into the intron before coding-DNA position 1063, T replaced by G.
Molecular consequence: intron variant.
Genome position (GRCh38, 1-based): chr17:31,201,034, T>G. VCF-style: chr17-31201034-T-G. GRCh37 (hg19) VCF-style: chr17-29528052-T-G.
Other names: c.1063-3T>G (NM_000267.4, NM_001128147.3).
Identifiers: ClinVar variation 816773 (VCV000816773.3), dbSNP rs758206740, ClinGen allele CA915949672.

ClinVar aggregate classification (germline): Conflicting classifications of pathogenicity. Review status: criteria provided, conflicting classifications (1 of 4 stars). 2 submissions from 2 submitters: Pathogenic (1); Uncertain significance (1). Last evaluated 2020-01-20.

Conditions:
Neurofibromatosis, type 1 (NF1). Also called: Peripheral type neurofibromatosis; Neurofibromatosis, type I; VON RECKLINGHAUSEN DISEASE; NEUROFIBROMATOSIS, TYPE I, SOMATIC. Identifiers: Orphanet 636, MedGen C0027831, MONDO:0018975, OMIM 162200. Disease mechanism: loss of function.
Juvenile myelomonocytic leukemia (JMML). Also called: LEUKEMIA, JUVENILE MYELOMONOCYTIC, SOMATIC. Identifiers: Orphanet 86834, MedGen C0349639, MONDO:0011908, OMIM 607785, HP:0012209.
Neurofibromatosis, familial spinal (FSNF). Identifiers: Orphanet 636, MedGen C1834235, MONDO:0008078, OMIM 162210. Disease mechanism: loss of function.
Neurofibromatosis-Noonan syndrome (NFNS). Also called: NEUROFIBROMATOSIS WITH NOONAN PHENOTYPE. Identifiers: Orphanet 638, MedGen C2931482, MONDO:0011035, OMIM 601321. Disease mechanism: loss of function.
Café-au-lait macules with pulmonary stenosis (WTSN). Also called: PULMONIC STENOSIS WITH CAFE-AU-LAIT SPOTS. Identifiers: MedGen C0553586, MONDO:0008672, OMIM 193520.

Submissions (2):

UAB Medical Genomics Laboratory, UAB Medicine
Classification: Pathogenic for Neurofibromatosis, type 1. Last evaluated: 2020-01-20. Review status: criteria provided, single submitter. Criteria: ACMG Guidelines, 2015. Collection method: clinical testing. Allele origin: germline. Affected: yes.

Juno Genomics, Hangzhou Juno Genomics, Inc
Classification: Uncertain significance for Café-au-lait macules with pulmonary stenosis; Neurofibromatosis, type 1; Juvenile myelomonocytic leukemia; Neurofibromatosis, familial spinal; Neurofibromatosis-Noonan syndrome. Review status: criteria provided, single submitter. Criteria: ACMG Guidelines, 2015. Collection method: clinical testing. Allele origin: germline. Affected: yes.
Comment: Absent from controls (or at extremely low frequency if recessive) in Genome Aggregation Database.;Multiple lines of computational evidence support a deleterious effect on the gene or gene product.

Literature cited by the submitters: PubMed 32126153 (cited by UAB Medical Genomics Laboratory, UAB Medicine).